The following is an entry in ClinVar:

NM_018942.3(HMX1):c.335G>A (p.Gly112Asp)

Gene: HMX1 (H6 family homeobox 1; minus strand). Cytogenetic location: 4p16.1.
Variant type: single nucleotide variant.
Coding change: c.335G>A on transcript NM_018942.3 (MANE Select); coding-DNA position 335, G replaced by A.
Protein change: p.Gly112Asp; replaces glycine 112 with aspartic acid.
Molecular consequence: missense variant.
Genome position (GRCh38, 1-based): chr4:8,871,280, C>T on the plus strand (G>A on the coding strand, the complement: HMX1 is on the minus strand). VCF-style: chr4-8871280-C-T. GRCh37 (hg19) VCF-style: chr4-8873006-C-T.
Other names: c.335G>A, p.Gly112Asp (NM_001306142.2); c.335G>A (NM_018942.2); short protein forms G112D.
Identifiers: ClinVar variation 998764 (VCV000998764.9), dbSNP rs777752890, ClinGen allele CA2854315.

ClinVar aggregate classification (germline): Uncertain significance. Review status: criteria provided, multiple submitters, no conflicts (2 of 4 stars). 2 submissions from 2 submitters: Uncertain significance (2). Last evaluated 2023-11-22.

Conditions:
Inborn genetic diseases. Identifiers: MedGen C0950123, MeSH D030342.

Allele frequency attached by ClinVar (database versions not stated): TOPMed 0.00006.

Submissions (2):

Ambry Genetics
Classification: Uncertain significance for Inborn genetic diseases. Last evaluated: 2023-11-22. Review status: criteria provided, single submitter. Criteria: Ambry Variant Classification Scheme 2023. Collection method: clinical testing. Allele origin: germline.

Labcorp Genetics (formerly Invitae), Labcorp
Classification: Uncertain significance. Last evaluated: 2022-06-13. Review status: criteria provided, single submitter. Criteria: Invitae Variant Classification Sherloc (09022015). Collection method: clinical testing. Allele origin: germline.
Comment: In summary, the available evidence is currently insufficient to determine the role of this variant in disease. Therefore, it has been classified as a Variant of Uncertain Significance. Algorithms developed to predict the effect of missense changes on protein structure and function output the following: SIFT: "Tolerated"; PolyPhen-2: "Not Available"; Align-GVGD: "Class C0". The aspartic acid amino acid residue is found in multiple mammalian species, which suggests that this missense change does not adversely affect protein function. ClinVar contains an entry for this variant (Variation ID: 998764). This variant has not been reported in the literature in individuals affected with HMX1-related conditions. The frequency data for this variant in the population databases is considered unreliable, as metrics indicate poor data quality at this position in the gnomAD database. This sequence change replaces glycine, which is neutral and non-polar, with aspartic acid, which is acidic and polar, at codon 112 of the HMX1 protein (p.Gly112Asp).